The following is an entry in ClinVar:

NM_024422.6(DSC2):c.2279C>G (p.Thr760Ser)

Gene: DSC2 (desmocollin 2; minus strand). Cytogenetic location: 18q12.1.
Variant type: single nucleotide variant.
Coding change: c.2279C>G on transcript NM_024422.6 (MANE Select); coding-DNA position 2279, C replaced by G.
Protein change: p.Thr760Ser; replaces threonine 760 with serine.
Molecular consequence: missense variant.
Genome position (GRCh38, 1-based): chr18:31,069,123, G>C on the plus strand (C>G on the coding strand, the complement: DSC2 is on the minus strand). VCF-style: chr18-31069123-G-C. GRCh37 (hg19) VCF-style: chr18-28649089-G-C.
Other names: c.2279C>G, p.Thr760Ser (NM_004949.5); short protein forms T760S.
Identifiers: ClinVar variation 962620 (VCV000962620.13), dbSNP rs1331111206, ClinGen allele CA402112065.

ClinVar aggregate classification (germline): Conflicting classifications of pathogenicity. Review status: criteria provided, conflicting classifications (1 of 4 stars). 4 submissions from 4 submitters: Uncertain significance (3); Likely benign (1). Last evaluated 2026-05-13.

Conditions:
Cardiovascular phenotype. Identifiers: MedGen CN230736.
Cardiomyopathy (CMYO). Also called: Cardiomyopathies. Identifiers: Orphanet 167848, MedGen C0878544, MONDO:0004994, HP:0001638. Inheritance: Various modes of inheritance.
Arrhythmogenic right ventricular dysplasia 11. Also called: Arrhythmogenic right ventricular dysplasia 11 with mild palmoplantar keratoderma and woolly hair; ARRHYTHMOGENIC RIGHT VENTRICULAR DYSPLASIA, FAMILIAL, 11; Arrhythmogenic Right Ventricular Dysplasia/Cardiomyopathy11. Identifiers: MedGen C1864850, MONDO:0012506, OMIM 610476.

Allele frequency attached by ClinVar (database versions not stated): gnomAD exomes below 0.00001 and 0.00001.
gnomAD v4.1: 9 of 1,614,134 alleles (0.00056%); highest among the groups gnomAD compares: Non-Finnish European, 0.00076%; no homozygotes.

Submissions (4):

Ambry Genetics
Classification: Likely benign for Cardiovascular phenotype. Last evaluated: 2026-05-13. Review status: criteria provided, single submitter. Criteria: Ambry Variant Classification Scheme 2023. Collection method: clinical testing. Allele origin: germline.

Labcorp Genetics (formerly Invitae), Labcorp
Classification: Uncertain significance for Arrhythmogenic right ventricular dysplasia 11. Last evaluated: 2025-10-17. Review status: criteria provided, single submitter. Criteria: Invitae Variant Classification Sherloc (09022015). Collection method: clinical testing. Allele origin: germline.
Comment: This sequence change replaces threonine, which is neutral and polar, with serine, which is neutral and polar, at codon 760 of the DSC2 protein (p.Thr760Ser). The frequency data for this variant in the population databases is considered unreliable, as metrics indicate poor data quality at this position in the gnomAD database. This variant has not been reported in the literature in individuals affected with DSC2-related conditions. ClinVar contains an entry for this variant (Variation ID: 962620). Invitae Evidence Modeling of protein sequence and biophysical properties (such as structural, functional, and spatial information, amino acid conservation, physicochemical variation, residue mobility, and thermodynamic stability) indicates that this missense variant is not expected to disrupt DSC2 protein function with a negative predictive value of 80%. In summary, the available evidence is currently insufficient to determine the role of this variant in disease. Therefore, it has been classified as a Variant of Uncertain Significance.

Color Diagnostics, LLC DBA Color Health
Classification: Uncertain significance for Cardiomyopathy. Last evaluated: 2025-06-30. Review status: criteria provided, single submitter. Criteria: ACMG Guidelines, 2015. Collection method: clinical testing. Allele origin: germline.
Comment: This missense variant replaces threonine with serine at codon 760 of the DSC2 protein. Computational prediction suggests that this variant may not impact protein structure and function. To our knowledge, functional studies have not been reported for this variant. This variant has not been reported in individuals affected with DSC2-related disorders in the literature. This variant has been identified in 1/251014 chromosomes in the general population by the Genome Aggregation Database (gnomAD). The available evidence is insufficient to determine the role of this variant in disease conclusively. Therefore, this variant is classified as a Variant of Uncertain Significance.

Blueprint Genetics
Classification: Uncertain significance. Last evaluated: 2023-02-28. Review status: criteria provided, single submitter. Criteria: ACMG Guidelines, 2015. Collection method: clinical testing. Allele origin: germline.